The following is an entry in ClinVar:

NM_000719.7(CACNA1C):c.2566G>A (p.Gly856Ser)

Gene: CACNA1C (calcium voltage-gated channel subunit alpha1 C; plus strand). Cytogenetic location: 12p13.33.
Variant type: single nucleotide variant.
Coding change: c.2566G>A on transcript NM_000719.7 (MANE Select); coding-DNA position 2566, G replaced by A.
Protein change: p.Gly856Ser; replaces glycine 856 with serine.
Molecular consequence: missense variant.
Genome position (GRCh38, 1-based): chr12:2,593,248, G>A. VCF-style: chr12-2593248-G-A. GRCh37 (hg19) VCF-style: chr12-2702414-G-A.
Other names: p.G856S:GGC>AGC; c.2566G>A, p.Gly856Ser (NM_001129827.2, NM_001129829.2, NM_001129830.3 and 18 more transcripts); c.2557G>A, p.Gly853Ser (NM_001129844.2); short protein forms G856S, G853S.
Identifiers: ClinVar variation 190652 (VCV000190652.17), dbSNP rs145549773, ClinGen allele CA301388.

ClinVar aggregate classification (germline): Conflicting classifications of pathogenicity. Review status: criteria provided, conflicting classifications (1 of 4 stars). 3 submissions from 3 submitters: Uncertain significance (1); Benign (1); Likely benign (1). Last evaluated 2025-11-22.

Conditions:
Cardiovascular phenotype. Identifiers: MedGen CN230736.
Long QT syndrome (LQTS). Identifiers: MedGen C0023976, MeSH D008133, MONDO:0002442. Disease mechanism: loss of function. Inheritance: Various modes of inheritance.

Allele frequency attached by ClinVar (database versions not stated): gnomAD 0.00008 and 0.00007; 1000 Genomes Project 30x 0.00031; 1000 Genomes Project 0.00040; ExAC 0.00002; gnomAD exomes 0.00004 and 0.00007; TOPMed 0.00007.
gnomAD v4.1: 112 of 1,613,708 alleles (0.0069%); highest among the groups gnomAD compares: Non-Finnish European, 0.0087%; 1 homozygote.

Submissions (3):

Labcorp Genetics (formerly Invitae), Labcorp
Classification: Likely benign for Long QT syndrome. Last evaluated: 2025-11-22. Review status: criteria provided, single submitter. Criteria: Invitae Variant Classification Sherloc (09022015). Collection method: clinical testing. Allele origin: germline.

Ambry Genetics
Classification: Benign for Cardiovascular phenotype. Last evaluated: 2024-01-08. Review status: criteria provided, single submitter. Criteria: Ambry Variant Classification Scheme 2023. Collection method: clinical testing. Allele origin: germline.

GeneDx
Classification: Uncertain significance. Last evaluated: 2023-09-12. Review status: criteria provided, single submitter. Criteria: GeneDx Variant Classification Process June 2021. Collection method: clinical testing. Allele origin: germline. Affected: yes.
Comment: Has not been previously published as pathogenic or benign to our knowledge; In silico analysis, which includes protein predictors and evolutionary conservation, supports a deleterious effect